The following is an entry in ClinVar:

ClinVar aggregate classification (germline): Uncertain significance. Review status: criteria provided, multiple submitters, no conflicts (2 of 4 stars). 3 submissions from 3 submitters: Uncertain significance (3). Last evaluated 2025-12-11.

Submissions (3):

Labcorp Genetics (formerly Invitae), Labcorp
Classification: Uncertain significance. Last evaluated: 2025-12-11. Review status: criteria provided, single submitter. Criteria: Invitae Variant Classification Sherloc (09022015). Collection method: clinical testing. Allele origin: germline.
Comment: This variant, c.6503_6508del, results in the deletion of 2 amino acid(s) of the PIEZO1 protein (p.Lys2168_Lys2169del), but otherwise preserves the integrity of the reading frame. This variant is present in population databases (no rsID available, gnomAD 0.01%). This variant has not been reported in the literature in individuals affected with PIEZO1-related conditions. Experimental studies and prediction algorithms are not available or were not evaluated, and the functional significance of this variant is currently unknown. In summary, the available evidence is currently insufficient to determine the role of this variant in disease. Therefore, it has been classified as a Variant of Uncertain Significance.

Revvity Omics, Revvity
Classification: Uncertain significance. Last evaluated: 2024-07-24. Review status: criteria provided, single submitter. Criteria: ACMG Guidelines, 2015. Collection method: clinical testing. Allele origin: germline.

Mayo Clinic Laboratories, Mayo Clinic
Classification: Uncertain significance. Last evaluated: 2024-03-08. Review status: criteria provided, single submitter. Criteria: ACMG Guidelines, 2015. Collection method: clinical testing. Allele origin: germline. Observed: 1 variant allele.
Comment: PM4

Literature cited by the submitters: PubMed 28971506 (cited by Mayo Clinic Laboratories, Mayo Clinic); PubMed 30187933 (cited by Mayo Clinic Laboratories, Mayo Clinic); PubMed 33887194 (cited by Mayo Clinic Laboratories, Mayo Clinic).

NM_001142864.4(PIEZO1):c.6494AGA[3] (p.Lys2168_Lys2169del)

Gene: PIEZO1 (piezo type mechanosensitive ion channel component 1 (Er blood group); minus strand). Cytogenetic location: 16q24.3.
Variant type: Microsatellite.
Coding change: c.6494AGA[3] on transcript NM_001142864.4 (MANE Select); three copies in a row of the 3-base unit AGA starting at c.6494; the reference has five copies in a row; two copies, 6 bases deleted; also written c.6503_6508del.
Protein change: p.Lys2168_Lys2169del.
Molecular consequence: inframe deletion. On other transcripts: inframe indel (1).
Genome position (GRCh38, 1-based): chr16:88,717,175-88,717,180, TCTTCT deleted on the plus strand (AGAAGA on the coding strand, the reverse complement: PIEZO1 is on the minus strand); deleting any 6 consecutive bases within chr16:88,717,175-88,717,189 gives the same sequence; the position shown is the placement nearest the transcript's 3' end. VCF-style (leftmost placement, unchanged base first): chr16-88717174-ATCTTCT-A. GRCh37 (hg19) VCF-style: chr16-88783582-ATCTTCT-A.
Other names: p.Lys2168_Lys2169del; c.5036_5038AGA[3], p.Lys1682_Lys1683del (NM_014745.1); c.6503_6508del (NM_001142864.4).
Identifiers: ClinVar variation 2689700 (VCV002689700.4), dbSNP rs763477215, ClinGen allele CA497072189.
Genomic context (GRCh38, chr16:88,717,174, plus strand): 5'-GGGAACCAGATGATGGCGATGAGGAAGAGGATGATGAGGCCACCCATGCCGTACTTGACG[ATCTTCT>A]TCTTCTTCTGCCCTTTGGGCTGCGGGTATTTCTGGAGGGGAACGACACAGGTCATACGCT-3'